The following is an entry in ClinVar:

NM_001365951.3(KIF1B):c.3394G>C (p.Glu1132Gln)

Gene: KIF1B (kinesin family member 1B; plus strand). Cytogenetic location: 1p36.22.
Variant type: single nucleotide variant.
Coding change: c.3394G>C on transcript NM_001365951.3 (MANE Select); coding-DNA position 3394, G replaced by C.
Protein change: p.Glu1132Gln; replaces glutamic acid 1132 with glutamine.
Molecular consequence: missense variant.
Genome position (GRCh38, 1-based): chr1:10,337,505, G>C. VCF-style: chr1-10337505-G-C. GRCh37 (hg19) VCF-style: chr1-10397563-G-C.
Other names: c.3394G>C, p.Glu1132Gln (NM_001365952.1); c.3256G>C, p.Glu1086Gln (NM_015074.3); short protein forms E1086Q, E1132Q.
Identifiers: ClinVar variation 3226445 (VCV003226445.1), dbSNP rs2521722321, ClinGen allele CA338340697.

ClinVar aggregate classification (germline): Uncertain significance (1 of 4 stars; one submission).

Allele frequency attached by ClinVar (database versions not stated): gnomAD exomes below 0.00001.
gnomAD v4.1: 1 of 1,614,234 alleles (0.000062%); highest among the groups gnomAD compares: South Asian, 0.0011%; no homozygotes.

Submission:

Ambry Genetics
Classification: Uncertain significance. Last evaluated: 2023-10-08. Review status: criteria provided, single submitter. Criteria: Ambry Variant Classification Scheme 2023. Collection method: clinical testing. Allele origin: germline.
Comment: The p.E1086Q variant (also known as c.3256G>C), located in coding exon 28 of the KIF1B gene, results from a G to C substitution at nucleotide position 3256. The glutamic acid at codon 1086 is replaced by glutamine, an amino acid with highly similar properties. This amino acid position is conserved. In addition, the in silico prediction for this alteration is inconclusive. Since supporting evidence is limited at this time, the clinical significance of this alteration remains unclear.